The following is an entry in ClinVar:

ClinVar aggregate classification (germline): Uncertain significance (1 of 4 stars; one submission).

Submission:

Labcorp Genetics (formerly Invitae), Labcorp
Classification: Uncertain significance. Last evaluated: 2024-03-01. Review status: criteria provided, single submitter. Criteria: Invitae Variant Classification Sherloc (09022015). Collection method: clinical testing. Allele origin: germline.
Comment: This sequence change replaces leucine, which is neutral and non-polar, with valine, which is neutral and non-polar, at codon 212 of the MBD4 protein (p.Leu212Val). This variant is not present in population databases (gnomAD no frequency). This variant has not been reported in the literature in individuals affected with MBD4-related conditions. Algorithms developed to predict the effect of missense changes on protein structure and function output the following: SIFT: "Not Available"; PolyPhen-2: "Benign"; Align-GVGD: "Not Available". The valine amino acid residue is found in multiple mammalian species, which suggests that this missense change does not adversely affect protein function. In summary, the available evidence is currently insufficient to determine the role of this variant in disease. Therefore, it has been classified as a Variant of Uncertain Significance.

NM_001276270.2(MBD4):c.634T>G (p.Leu212Val)

Gene: MBD4 (methyl-CpG binding domain 4, DNA glycosylase; minus strand). Cytogenetic location: 3q21.3.
Variant type: single nucleotide variant.
Coding change: c.634T>G on transcript NM_001276270.2 (MANE Select); coding-DNA position 634, T replaced by G.
Protein change: p.Leu212Val; replaces leucine 212 with valine.
Molecular consequence: missense variant. On other transcripts: intron variant (1).
Genome position (GRCh38, 1-based): chr3:129,437,010, A>C on the plus strand (T>G on the coding strand, the complement: MBD4 is on the minus strand). VCF-style: chr3-129437010-A-C. GRCh37 (hg19) VCF-style: chr3-129155853-A-C.
Other names: c.634T>G, p.Leu212Val (NM_001276271.2, NM_001276272.2, NM_003925.3); c.247+798T>G (NM_001276273.2); short protein forms L212V.
Identifiers: ClinVar variation 3643659 (VCV003643659.2).